The following is an entry in ClinVar:

ClinVar aggregate classification (germline): Conflicting classifications of pathogenicity. Review status: criteria provided, conflicting classifications (1 of 4 stars). 4 submissions from 4 submitters: Uncertain significance (2); Likely benign (2). Last evaluated 2025-11-23.

Conditions:
Inborn genetic diseases. Identifiers: MedGen C0950123, MeSH D030342.
Autosomal dominant intellectual disability-craniofacial anomalies-cardiac defects syndrome (ARTHS). Also called: Arboleda-Tham syndrome; KAT6A syndrome; Mental retardation, autosomal dominant 32. Identifiers: Orphanet 457193, MedGen C4225396, MONDO:0014558, OMIM 616268.

Allele frequency attached by ClinVar (database versions not stated): ExAC 0.00002; gnomAD exomes 0.00002; gnomAD 0.00004; TOPMed 0.00002.
gnomAD v4.1: 26 of 1,614,076 alleles (0.0016%); highest among the groups gnomAD compares: African/African-American, 0.0027%; no homozygotes.

Submissions (4):

Labcorp Genetics (formerly Invitae), Labcorp
Classification: Likely benign. Last evaluated: 2025-11-23. Review status: criteria provided, single submitter. Criteria: Invitae Variant Classification Sherloc (09022015). Collection method: clinical testing. Allele origin: germline.

Ambry Genetics
Classification: Likely benign for Inborn genetic diseases. Last evaluated: 2022-08-30. Review status: criteria provided, single submitter. Criteria: Ambry Variant Classification Scheme 2023. Collection method: clinical testing. Allele origin: germline.

Baylor Genetics
Classification: Uncertain significance for Autosomal dominant intellectual disability-craniofacial anomalies-cardiac defects syndrome. Last evaluated: 2019-03-02. Review status: criteria provided, single submitter. Criteria: ACMG Guidelines, 2015. Collection method: clinical testing. Allele origin: paternal. Affected: yes.
Comment: This variant was determined to be of uncertain significance according to ACMG Guidelines, 2015 [PMID:25741868].

Breakthrough Genomics
Classification: Uncertain significance. Review status: criteria provided, single submitter. Criteria: ACMG Guidelines, 2015. Collection method: not provided. Allele origin: germline. Inheritance: Autosomal recessive inheritance. Affected: yes.

NM_006766.5(KAT6A):c.2791G>A (p.Gly931Arg)

Gene: KAT6A (lysine acetyltransferase 6A; minus strand). Cytogenetic location: 8p11.21.
Variant type: single nucleotide variant.
Coding change: c.2791G>A on transcript NM_006766.5 (MANE Select); coding-DNA position 2791, G replaced by A.
Protein change: p.Gly931Arg; replaces glycine 931 with arginine.
Molecular consequence: missense variant.
Genome position (GRCh38, 1-based): chr8:41,941,090, C>T on the plus strand (G>A on the coding strand, the complement: KAT6A is on the minus strand). VCF-style: chr8-41941090-C-T. GRCh37 (hg19) VCF-style: chr8-41798608-C-T.
Other names: short protein forms G931R.
Identifiers: ClinVar variation 1028553 (VCV001028553.8), dbSNP rs779101695, ClinGen allele CA4729836.